The following is an entry in ClinVar:

NM_014633.5(CTR9):c.1695A>G (p.Pro565=)

Gene: CTR9 (CTR9 component of Paf1/RNA polymerase II complex; plus strand). Cytogenetic location: 11p15.4.
Variant type: single nucleotide variant.
Coding change: c.1695A>G on transcript NM_014633.5 (MANE Select); coding-DNA position 1695, A replaced by G.
Protein change: p.Pro565=; no amino-acid change (proline 565 retained).
Molecular consequence: synonymous variant.
Genome position (GRCh38, 1-based): chr11:10,767,814, A>G. VCF-style: chr11-10767814-A-G. GRCh37 (hg19) VCF-style: chr11-10789361-A-G.
Other names: c.1695A>G, p.Pro565= (NM_001346279.2).
Identifiers: ClinVar variation 5039581 (VCV005039581.1).

ClinVar aggregate classification (germline): Likely benign (1 of 4 stars; one submission).

gnomAD v4.1: 1 of 1,613,946 alleles (0.000062%); highest among the groups gnomAD compares: Non-Finnish European, 0.000085%; no homozygotes.

Submission:

CeGaT Center for Human Genetics Tuebingen
Classification: Likely benign. Last evaluated: 2026-07-01. Review status: criteria provided, single submitter. Criteria: CeGaT Center For Human Genetics Tuebingen Variant Classification Criteria Version 2. Collection method: clinical testing. Allele origin: germline. Affected: yes. Observed: 1 variant allele.
Comment: CTR9: BP4, BP7